The following is an entry in ClinVar:

NM_000142.5(FGFR3):c.588C>T (p.Arg196=)

Gene: FGFR3 (fibroblast growth factor receptor 3; plus strand). Cytogenetic location: 4p16.3.
Variant type: single nucleotide variant.
Coding change: c.588C>T on transcript NM_000142.5 (MANE Select); coding-DNA position 588, C replaced by T.
Protein change: p.Arg196=; no amino-acid change (arginine 196 retained).
Molecular consequence: synonymous variant. On other transcripts: non-coding transcript variant (1).
Genome position (GRCh38, 1-based): chr4:1,801,509, C>T. VCF-style: chr4-1801509-C-T. GRCh37 (hg19) VCF-style: chr4-1803236-C-T.
Other names: p.Arg196=; c.588C>T, p.Arg196= (NM_001163213.2, NM_001354809.2, NM_001354810.2 and 1 more transcripts).
Identifiers: ClinVar variation 197630 (VCV000197630.41), dbSNP rs2305180, ClinGen allele CA202984.

ClinVar aggregate classification (germline): Benign. Review status: criteria provided, multiple submitters, no conflicts (2 of 4 stars). 15 submissions from 15 submitters: Benign (11). 4 of the submissions do not count toward it. Last evaluated 2026-06-01.

Conditions:
Connective tissue disorder. Also called: Connective tissue disease. Identifiers: MedGen C0009782, MONDO:0003900.

Allele frequency attached by ClinVar (database versions not stated): gnomAD exomes 0.00838 and 0.01453; ESP Exome Variant Server 0.02746; gnomAD 0.02993 and 0.03125; ExAC 0.03298; TOPMed 0.03343; 1000 Genomes Project 0.03395; 1000 Genomes Project 30x 0.03529.
gnomAD v4.1: 16,804 of 1,563,482 alleles (1.1%); highest among the groups gnomAD compares: African/African-American, 8.5%; 395 homozygotes.

Submissions (15):

CeGaT Center for Human Genetics Tuebingen
Classification: Benign. Last evaluated: 2026-06-01. Review status: criteria provided, single submitter. Criteria: CeGaT Center For Human Genetics Tuebingen Variant Classification Criteria Version 2. Collection method: clinical testing. Allele origin: germline. Affected: yes. Observed: 1 variant allele.
Comment: FGFR3: BP4, BP7, BS1, BS2

Women's Health and Genetics/Laboratory Corporation of America, LabCorp
Classification: Benign. Last evaluated: 2026-05-11. Review status: criteria provided, single submitter. Criteria: LabCorp Variant Classification Summary - May 2015. Collection method: clinical testing. Allele origin: germline.

Labcorp Genetics (formerly Invitae), Labcorp
Classification: Benign. Last evaluated: 2026-02-02. Review status: criteria provided, single submitter. Criteria: Invitae Variant Classification Sherloc (09022015). Collection method: clinical testing. Allele origin: germline.

ARUP Laboratories, Molecular Genetics and Genomics, ARUP Laboratories
Classification: Benign. Last evaluated: 2025-07-02. Review status: criteria provided, single submitter. Criteria: ARUP Molecular Germline Variant Investigation Process 2024. Collection method: clinical testing. Allele origin: germline.

Mayo Clinic Laboratories, Mayo Clinic
Classification: Benign. Last evaluated: 2025-04-19. Review status: criteria provided, single submitter. Criteria: ACMG Guidelines, 2015. Collection method: clinical testing. Allele origin: germline. Observed: 12 variant alleles.

Blueprint Genetics
Classification: Benign. Last evaluated: 2024-11-26. Review status: criteria provided, single submitter. Criteria: ACMG Guidelines, 2015. Collection method: clinical testing. Allele origin: germline.

Genome Diagnostics Laboratory, The Hospital for Sick Children
Classification: Benign for Connective tissue disorder. Last evaluated: 2021-12-06. Review status: criteria provided, single submitter. Criteria: ACMG Guidelines, 2015. Collection method: clinical testing. Allele origin: germline.

GeneDx
Classification: Benign. Last evaluated: 2016-09-21. Review status: criteria provided, single submitter. Criteria: GeneDx Variant Classification (06012015). Collection method: clinical testing. Allele origin: germline. Affected: yes.
Comment: This variant is considered likely benign or benign based on one or more of the following criteria: it is a conservative change, it occurs at a poorly conserved position in the protein, it is predicted to be benign by multiple in silico algorithms, and/or has population frequency not consistent with disease.

Eurofins Ntd Llc (ga)
Classification: Benign. Last evaluated: 2015-04-09. Review status: criteria provided, single submitter. Criteria: EGL Classification Definitions 2015. Collection method: clinical testing. Allele origin: germline. Observed: 2 variant alleles, 2 heterozygotes.

Breakthrough Genomics
Classification: Benign. Review status: criteria provided, single submitter. Criteria: ACMG Guidelines, 2015. Collection method: not provided. Allele origin: germline. Inheritance: Autosomal dominant inheritance. Affected: yes.

PreventionGenetics, part of Exact Sciences
Classification: Benign. Review status: criteria provided, single submitter. Criteria: ACMG Guidelines, 2015. Collection method: clinical testing. Allele origin: germline.

Clinical Genetics DNA and cytogenetics Diagnostics Lab, Erasmus MC, Erasmus Medical Center
Classification: Benign. Review status: no assertion criteria provided. Collection method: clinical testing. Allele origin: germline. Affected: yes. Study: VKGL Data-share Consensus. Not counted in ClinVar's aggregate classification.

Clinical Genetics, Academic Medical Center
Classification: Benign. Review status: no assertion criteria provided. Collection method: clinical testing. Allele origin: germline. Affected: yes. Study: VKGL Data-share Consensus. Not counted in ClinVar's aggregate classification.

Genome Diagnostics Laboratory, Amsterdam University Medical Center
Classification: Benign. Review status: no assertion criteria provided. Collection method: clinical testing. Allele origin: germline. Affected: yes. Study: VKGL Data-share Consensus. Not counted in ClinVar's aggregate classification.

Laboratory of Diagnostic Genome Analysis, Leiden University Medical Center (LUMC)
Classification: Likely benign. Review status: no assertion criteria provided. Collection method: clinical testing. Allele origin: germline. Affected: yes. Study: VKGL Data-share Consensus. Not counted in ClinVar's aggregate classification.